The following is an entry in ClinVar:

NM_001127671.2(LIFR):c.1021T>A (p.Cys341Ser)

Gene: LIFR (LIF receptor subunit alpha; minus strand). Cytogenetic location: 5p13.1.
Variant type: single nucleotide variant.
Coding change: c.1021T>A on transcript NM_001127671.2 (MANE Select); coding-DNA position 1021, T replaced by A.
Protein change: p.Cys341Ser; replaces cysteine 341 with serine.
Molecular consequence: missense variant.
Genome position (GRCh38, 1-based): chr5:38,506,603, A>T on the plus strand (T>A on the coding strand, the complement: LIFR is on the minus strand). VCF-style: chr5-38506603-A-T. GRCh37 (hg19) VCF-style: chr5-38506705-A-T.
Other names: c.1021T>A, p.Cys341Ser (NM_001364297.2, NM_001364298.2, NM_002310.6); short protein forms C341S.
Identifiers: ClinVar variation 1937055 (VCV001937055.5), dbSNP rs1745499133, ClinGen allele CA359544710.

ClinVar aggregate classification (germline): Uncertain significance (1 of 4 stars; one submission).

Allele frequency attached by ClinVar (database versions not stated): gnomAD exomes below 0.00001; TOPMed below 0.00001.
gnomAD v4.1: 1 of 1,613,614 alleles (0.000062%); highest among the groups gnomAD compares: Non-Finnish European, 0.000085%; no homozygotes.

Submission:

Labcorp Genetics (formerly Invitae), Labcorp
Classification: Uncertain significance. Last evaluated: 2022-07-06. Review status: criteria provided, single submitter. Criteria: Invitae Variant Classification Sherloc (09022015). Collection method: clinical testing. Allele origin: germline.
Comment: This sequence change replaces cysteine, which is neutral and slightly polar, with serine, which is neutral and polar, at codon 341 of the LIFR protein (p.Cys341Ser). In summary, the available evidence is currently insufficient to determine the role of this variant in disease. Therefore, it has been classified as a Variant of Uncertain Significance. Algorithms developed to predict the effect of sequence changes on RNA splicing suggest that this variant may create or strengthen a splice site. Algorithms developed to predict the effect of missense changes on protein structure and function (SIFT, PolyPhen-2, Align-GVGD) all suggest that this variant is likely to be tolerated. This variant has not been reported in the literature in individuals affected with LIFR-related conditions. This variant is not present in population databases (gnomAD no frequency).